The following is an entry in ClinVar:

NM_005751.5(AKAP9):c.1456G>C (p.Asp486His)

Gene: AKAP9 (A-kinase anchoring protein 9; plus strand). Cytogenetic location: 7q21.2.
Variant type: single nucleotide variant.
Coding change: c.1456G>C on transcript NM_005751.5 (MANE Select); coding-DNA position 1456, G replaced by C.
Protein change: p.Asp486His; replaces aspartic acid 486 with histidine.
Molecular consequence: missense variant.
Genome position (GRCh38, 1-based): chr7:92,001,373, G>C. VCF-style: chr7-92001373-G-C. GRCh37 (hg19) VCF-style: chr7-91630687-G-C.
Other names: c.1456G>C, p.Asp486His (NM_147185.3); c.1456G>C (NM_005751.4); short protein forms D486H.
Identifiers: ClinVar variation 1063535 (VCV001063535.10), dbSNP rs2130664563, ClinGen allele CA368121832.

ClinVar aggregate classification (germline): Uncertain significance. Review status: criteria provided, multiple submitters, no conflicts (2 of 4 stars). 2 submissions from 2 submitters: Uncertain significance (2). Last evaluated 2023-10-03.

Conditions:
Cardiovascular phenotype. Identifiers: MedGen CN230736.
Long QT syndrome (LQTS). Identifiers: MedGen C0023976, MeSH D008133, MONDO:0002442. Disease mechanism: loss of function. Inheritance: Various modes of inheritance.

Submissions (2):

Labcorp Genetics (formerly Invitae), Labcorp
Classification: Uncertain significance for Long QT syndrome. Last evaluated: 2023-10-03. Review status: criteria provided, single submitter. Criteria: Invitae Variant Classification Sherloc (09022015). Collection method: clinical testing. Allele origin: germline.
Comment: This sequence change replaces aspartic acid, which is acidic and polar, with histidine, which is basic and polar, at codon 486 of the AKAP9 protein (p.Asp486His). This variant is not present in population databases (gnomAD no frequency). This variant has not been reported in the literature in individuals affected with AKAP9-related conditions. ClinVar contains an entry for this variant (Variation ID: 1063535). An algorithm developed to predict the effect of missense changes on protein structure and function (PolyPhen-2) suggests that this variant is likely to be disruptive. In summary, the available evidence is currently insufficient to determine the role of this variant in disease. Therefore, it has been classified as a Variant of Uncertain Significance.

Ambry Genetics
Classification: Uncertain significance for Cardiovascular phenotype. Last evaluated: 2023-08-29. Review status: criteria provided, single submitter. Criteria: Ambry Variant Classification Scheme 2023. Collection method: clinical testing. Allele origin: germline.
Comment: The p.D486H variant (also known as c.1456G>C), located in coding exon 8 of the AKAP9 gene, results from a G to C substitution at nucleotide position 1456. The aspartic acid at codon 486 is replaced by histidine, an amino acid with similar properties. This amino acid position is not well conserved in available vertebrate species. In addition, this alteration is predicted to be tolerated by in silico analysis. The evidence for this gene-disease relationship is limited; therefore, the clinical significance of this alteration is unclear.